The following is an entry in ClinVar:

ClinVar aggregate classification (germline): Likely benign (1 of 4 stars; one submission).

Conditions:
Leigh syndrome (NULS). Also called: Leigh's necrotizing encephalopathy; Leigh's disease; Leigh Syndrome (mtDNA deletion); Leigh Disease; Subacute necrotizing encephalopathy; Necrotizing encephalopathy infantile subacute of Leigh. Identifiers: Orphanet 506, MedGen C2931891, MONDO:0009723, OMIM 256000.

Submission:

Wong Mito Lab, Molecular and Human Genetics, Baylor College of Medicine
Classification: Likely benign for Leigh syndrome. Last evaluated: 2019-10-17. Review status: criteria provided, single submitter. Criteria: Modified ACMG Guidelines (Unpublished). Collection method: clinical testing. Allele origin: germline.
Comment: The NC_012920.1:m.5494T>G (YP_003024027.1:p.Phe342Cys) variant in MTND2 gene is interpretated to be a Likely Benign variant based on the modified ACMG guidelines (unpublished). This variant meets the following evidence codes: BS4, BP5

Literature cited by the submitters: PubMed 12406974.

NC_012920.1(MT-ND2):m.5494T>G

Gene: MT-ND2 (mitochondrially encoded NADH dehydrogenase 2; plus strand).
Variant type: single nucleotide variant.
Genome position: chrM-5494-T-G.
Identifiers: ClinVar variation 692596 (VCV000692596.1), dbSNP rs1556423001, ClinGen allele CA414780571.